The following is an entry in ClinVar:

NM_001378609.3(OTOGL):c.1825G>T (p.Ala609Ser)

Gene: OTOGL (otogelin like; plus strand). Cytogenetic location: 12q21.31.
Variant type: single nucleotide variant.
Coding change: c.1825G>T on transcript NM_001378609.3 (MANE Select); coding-DNA position 1825, G replaced by T.
Protein change: p.Ala609Ser; replaces alanine 609 with serine.
Molecular consequence: missense variant.
Genome position (GRCh38, 1-based): chr12:80,257,938, G>T. VCF-style: chr12-80257938-G-T. GRCh37 (hg19) VCF-style: chr12-80651718-G-T.
Other names: c.1825G>T, p.Ala609Ser (NM_001368062.3, NM_001378610.3, NM_173591.7); short protein forms A609S.
Identifiers: ClinVar variation 4686247 (VCV004686247.1).

ClinVar aggregate classification (germline): Uncertain significance (1 of 4 stars; one submission).

gnomAD v4.1: 5 of 1,597,722 alleles (0.00031%); highest among the groups gnomAD compares: Non-Finnish European, 0.00042%; no homozygotes.

Submission:

GeneDx
Classification: Uncertain significance. Last evaluated: 2025-07-12. Review status: criteria provided, single submitter. Criteria: GeneDx Variant Classification Process June 2021. Collection method: clinical testing. Allele origin: germline. Affected: yes.
Comment: Not observed at significant frequency in large population cohorts (gnomAD); In silico analysis suggests that this missense variant does not alter protein structure/function; Has not been previously published as pathogenic or benign to our knowledge